The following is an entry in ClinVar:

ClinVar aggregate classification (germline): Uncertain significance (1 of 4 stars; one submission).

Conditions:
Pulmonary fibrosis and/or bone marrow failure, Telomere-related, 3. Also called: PULMONARY FIBROSIS AND/OR BONE MARROW FAILURE SYNDROME, TELOMERE-RELATED, 3. Identifiers: Orphanet 2032, MedGen C4225346, MONDO:0014613, OMIM 616373.
Dyskeratosis congenita, autosomal recessive 5 (DKCB5). Identifiers: MedGen C3554656, MONDO:0014076, OMIM 615190.

Submission:

Labcorp Genetics (formerly Invitae), Labcorp
Classification: Uncertain significance for Dyskeratosis congenita, autosomal recessive 5; Pulmonary fibrosis and/or bone marrow failure, Telomere-related, 3. Last evaluated: 2022-06-15. Review status: criteria provided, single submitter. Criteria: Invitae Variant Classification Sherloc (09022015). Collection method: clinical testing. Allele origin: germline.
Comment: This sequence change replaces methionine, which is neutral and non-polar, with isoleucine, which is neutral and non-polar, at codon 25 of the RTEL1 protein (p.Met25Ile). In summary, the available evidence is currently insufficient to determine the role of this variant in disease. Therefore, it has been classified as a Variant of Uncertain Significance. Algorithms developed to predict the effect of missense changes on protein structure and function are either unavailable or do not agree on the potential impact of this missense change (SIFT: "Deleterious"; PolyPhen-2: "Probably Damaging"; Align-GVGD: "Class C0"). This variant has not been reported in the literature in individuals affected with RTEL1-related conditions. This variant is not present in population databases (gnomAD no frequency).

NM_001283009.2(RTEL1):c.75G>A (p.Met25Ile)

Genes: RTEL1 (regulator of telomere elongation helicase 1; plus strand), RTEL1-TNFRSF6B (RTEL1-TNFRSF6B readthrough (NMD candidate); plus strand). Cytogenetic location: 20q13.33.
Variant type: single nucleotide variant.
Coding change: c.75G>A on transcript NM_001283009.2 (MANE Select); coding-DNA position 75, G replaced by A.
Protein change: p.Met25Ile; replaces methionine 25 with isoleucine.
Molecular consequence: missense variant. On other transcripts: non-coding transcript variant (1), intron variant (1).
Genome position (GRCh38, 1-based): chr20:63,659,477, G>A. VCF-style: chr20-63659477-G-A. GRCh37 (hg19) VCF-style: chr20-62290830-G-A.
Other names: c.75G>A, p.Met25Ile (NM_016434.4, NM_032957.5); c.-568+1018G>A (NM_001283010.1); short protein forms M25I.
Identifiers: ClinVar variation 2006958 (VCV002006958.4), dbSNP rs2516986168, ClinGen allele CA409657556.